The following is an entry in ClinVar:

NM_004304.5(ALK):c.4406C>G (p.Pro1469Arg)

Gene: ALK (ALK receptor tyrosine kinase; minus strand). Cytogenetic location: 2p23.2.
Variant type: single nucleotide variant.
Coding change: c.4406C>G on transcript NM_004304.5 (MANE Select); coding-DNA position 4406, C replaced by G.
Protein change: p.Pro1469Arg; replaces proline 1469 with arginine.
Molecular consequence: missense variant.
Genome position (GRCh38, 1-based): chr2:29,193,681, G>C on the plus strand (C>G on the coding strand, the complement: ALK is on the minus strand). VCF-style: chr2-29193681-G-C. GRCh37 (hg19) VCF-style: chr2-29416547-G-C.
Other names: c.1202C>G, p.Pro401Arg (NM_001353765.2); short protein forms P401R, P1469R.
Identifiers: ClinVar variation 1376816 (VCV001376816.8), dbSNP rs758625575, ClinGen allele CA346462206.

ClinVar aggregate classification (germline): Uncertain significance (1 of 4 stars; one submission).

Conditions:
Neuroblastoma, susceptibility to, 3. Also called: ALK-Related Neuroblastic Tumor Susceptibility. Identifiers: Orphanet 635, MedGen C2751681, MONDO:0013083, OMIM 613014.

Submission:

Labcorp Genetics (formerly Invitae), Labcorp
Classification: Uncertain significance for Neuroblastoma, susceptibility to, 3. Last evaluated: 2021-03-06. Review status: criteria provided, single submitter. Criteria: Invitae Variant Classification Sherloc (09022015). Collection method: clinical testing. Allele origin: germline.
Comment: In summary, the available evidence is currently insufficient to determine the role of this variant in disease. Therefore, it has been classified as a Variant of Uncertain Significance. This variant is not present in population databases (ExAC no frequency). This sequence change replaces proline with arginine at codon 1469 of the ALK protein (p.Pro1469Arg). The proline residue is moderately conserved and there is a moderate physicochemical difference between proline and arginine. Algorithms developed to predict the effect of missense changes on protein structure and function are either unavailable or do not agree on the potential impact of this missense change (SIFT: "Deleterious"; PolyPhen-2: "Benign"; Align-GVGD: "Class C0"). This variant has not been reported in the literature in individuals with ALK-related conditions.